The following is an entry in ClinVar:

ClinVar aggregate classification (germline): Pathogenic (1 of 4 stars; one submission).

Conditions:
Neuronal ceroid lipofuscinosis. Also called: Neuronal Ceroid Lipofuscinoses. Identifiers: Orphanet 216, Orphanet 79263, MedGen C0027877, MONDO:0016295. Disease mechanism: loss of function.

Submission:

Women's Health and Genetics/Laboratory Corporation of America, LabCorp
Classification: Pathogenic for Neuronal ceroid lipofuscinosis. Last evaluated: 2023-09-06. Review status: criteria provided, single submitter. Criteria: LabCorp Variant Classification Summary - May 2015. Collection method: clinical testing. Allele origin: germline.
Comment: Variant summary: MFSD8 c.215delA (p.Asp72ValfsX18) results in a premature termination codon, predicted to cause a truncation of the encoded protein or absence of the protein due to nonsense mediated decay, which are commonly known mechanisms for disease. Variants downstream of this position have been classified as pathogenic in ClinVar. The variant was absent in 251060 control chromosomes (gnomAD). To our knowledge, no occurrence of c.215delA in individuals affected with Neuronal Ceroid-Lipofuscinosis (Batten Disease) and no experimental evidence demonstrating its impact on protein function have been reported. No submitters have cited clinical-significance assessments for this variant to ClinVar after 2014. Based on the evidence outlined above, the variant was classified as pathogenic.

NM_001371596.2(MFSD8):c.215del (p.Asp72fs)

Gene: MFSD8 (major facilitator superfamily domain containing 8; minus strand). Cytogenetic location: 4q28.2.
Variant type: Deletion.
Coding change: c.215del on transcript NM_001371596.2 (MANE Select); coding-DNA position 215, one base deleted (A; older notation c.215delA).
Protein change: p.Asp72fs; shifts the reading frame from aspartic acid 72.
Molecular consequence: frameshift variant.
Genome position (GRCh38, 1-based): chr4:127,943,976, T deleted on the plus strand (A on the coding strand, the reverse complement: MFSD8 is on the minus strand). VCF-style (leftmost placement, unchanged base first): chr4-127943975-AT-A. GRCh37 (hg19) VCF-style: chr4-128865130-AT-A.
Other names: c.215del, p.Asp72fs (NM_001363520.3, NM_001363521.3, NM_001371591.2 and 5 more transcripts); c.80del, p.Asp27fs (NM_001371590.2, NM_001371595.1, NM_001410765.1); short protein forms D27fs, D72fs.
Identifiers: ClinVar variation 2627139 (VCV002627139.1), dbSNP rs2546167853, ClinGen allele CA2582341569.